The following is an entry in ClinVar:

NM_004655.4(AXIN2):c.788C>A (p.Ser263Tyr)

Gene: AXIN2 (axin 2; minus strand). Cytogenetic location: 17q24.1.
Variant type: single nucleotide variant.
Coding change: c.788C>A on transcript NM_004655.4 (MANE Select); coding-DNA position 788, C replaced by A.
Protein change: p.Ser263Tyr; replaces serine 263 with tyrosine.
Molecular consequence: missense variant.
Genome position (GRCh38, 1-based): chr17:65,557,833, G>T on the plus strand (C>A on the coding strand, the complement: AXIN2 is on the minus strand). VCF-style: chr17-65557833-G-T. GRCh37 (hg19) VCF-style: chr17-63553951-G-T.
Other names: c.788C>A (LRG_296t1); c.788C>A, p.Ser263Tyr (NM_001363813.1); short protein forms S263Y.
Identifiers: ClinVar variation 533153 (VCV000533153.17), dbSNP rs377293563, ClinGen allele CA8718988.

ClinVar aggregate classification (germline): Uncertain significance. Review status: criteria provided, multiple submitters, no conflicts (2 of 4 stars). 5 submissions from 5 submitters: Uncertain significance (5). Last evaluated 2025-11-10.

Conditions:
Colorectal cancer. Also called: Malignant Colorectal Neoplasm; Colorectal cancer, somatic. Identifiers: MedGen C0346629, MONDO:0005575, OMIM 114500.
Hereditary cancer-predisposing syndrome. Also called: Hereditary neoplastic syndrome; Tumor predisposition; Neoplastic Syndromes, Hereditary; Hereditary Cancer Syndrome. Identifiers: Orphanet 140162, MedGen C0027672, MeSH D009386, MONDO:0015356.
Oligodontia-cancer predisposition syndrome. Also called: TOOTH AGENESIS-COLORECTAL CANCER SYNDROME. Identifiers: Orphanet 300576, MedGen C1837750, MONDO:0012075, OMIM 608615. Disease mechanism: loss of function.

Allele frequency attached by ClinVar (database versions not stated): TOPMed 0.00001; ExAC 0.00002; ESP Exome Variant Server 0.00008; gnomAD exomes below 0.00001 and 0.00001; gnomAD 0.00001.
gnomAD v4.1: 8 of 1,614,078 alleles (0.0005%); highest among the groups gnomAD compares: Middle Eastern, 0.016%; no homozygotes.

Submissions (5):

Labcorp Genetics (formerly Invitae), Labcorp
Classification: Uncertain significance for Oligodontia-cancer predisposition syndrome. Last evaluated: 2025-11-10. Review status: criteria provided, single submitter. Criteria: Invitae Variant Classification Sherloc (09022015). Collection method: clinical testing. Allele origin: germline.
Comment: This sequence change replaces serine, which is neutral and polar, with tyrosine, which is neutral and polar, at codon 263 of the AXIN2 protein (p.Ser263Tyr). This variant is present in population databases (rs377293563, gnomAD 0.003%). This variant has not been reported in the literature in individuals affected with AXIN2-related conditions. ClinVar contains an entry for this variant (Variation ID: 533153). Invitae Evidence Modeling of protein sequence and biophysical properties (such as structural, functional, and spatial information, amino acid conservation, physicochemical variation, residue mobility, and thermodynamic stability) indicates that this missense variant is not expected to disrupt AXIN2 protein function with a negative predictive value of 80%. In summary, the available evidence is currently insufficient to determine the role of this variant in disease. Therefore, it has been classified as a Variant of Uncertain Significance.

Ambry Genetics
Classification: Uncertain significance for Hereditary cancer-predisposing syndrome. Last evaluated: 2024-12-16. Review status: criteria provided, single submitter. Criteria: Ambry Variant Classification Scheme 2023. Collection method: clinical testing. Allele origin: germline.
Comment: The p.S263Y variant (also known as c.788C>A), located in coding exon 1 of the AXIN2 gene, results from a C to A substitution at nucleotide position 788. The serine at codon 263 is replaced by tyrosine, an amino acid with dissimilar properties. This amino acid position is not well conserved in available vertebrate species. In addition, this alteration is predicted to be tolerated by in silico analysis. Since supporting evidence is limited at this time, the clinical significance of this alteration remains unclear.

Blueprint Genetics
Classification: Uncertain significance. Last evaluated: 2024-06-10. Review status: criteria provided, single submitter. Criteria: ACMG Guidelines, 2015. Collection method: clinical testing. Allele origin: germline.

Baylor Genetics
Classification: Uncertain significance for Colorectal cancer. Last evaluated: 2024-02-25. Review status: criteria provided, single submitter. Criteria: ACMG Guidelines, 2015. Collection method: clinical testing. Allele origin: unknown.

Sema4
Classification: Uncertain significance for Hereditary cancer-predisposing syndrome. Last evaluated: 2022-03-02. Review status: criteria provided, single submitter. Criteria: Sema4 Curation Guidelines. Collection method: curation. Allele origin: germline.
Comment: The AXIN2 c.788C>A (p.S263Y) variant has not been reported in the literature to our knowledge. It was observed in 2/113712 chromosomes in the Non-Finnish European population according to the Genome Aggregation Database (PMID: 32461654). This variant has been reported in ClinVar (Variation ID: 533153). Functional studies have not been performed, and in silico predictions of the variant's effect on protein function are inconclusive. The evidence is insufficient to meet ACMG/AMP criteria for classifying the variant as benign or pathogenic. Thus, the clinical significance of this variant is currently uncertain.